The following is an entry in ClinVar:

NM_001084.5(PLOD3):c.1532A>T (p.Glu511Val)

Gene: PLOD3 (procollagen-lysine,2-oxoglutarate 5-dioxygenase 3; minus strand). Cytogenetic location: 7q22.1.
Variant type: single nucleotide variant.
Coding change: c.1532A>T on transcript NM_001084.5 (MANE Select); coding-DNA position 1532, A replaced by T.
Protein change: p.Glu511Val; replaces glutamic acid 511 with valine.
Molecular consequence: missense variant.
Genome position (GRCh38, 1-based): chr7:101,210,413, T>A on the plus strand (A>T on the coding strand, the complement: PLOD3 is on the minus strand). VCF-style: chr7-101210413-T-A. GRCh37 (hg19) VCF-style: chr7-100853694-T-A.
Other names: short protein forms E511V.
Identifiers: ClinVar variation 1398855 (VCV001398855.8), dbSNP rs2116800224, ClinGen allele CA368614169.

ClinVar aggregate classification (germline): Uncertain significance (1 of 4 stars; one submission).

Submission:

Labcorp Genetics (formerly Invitae), Labcorp
Classification: Uncertain significance. Last evaluated: 2021-06-01. Review status: criteria provided, single submitter. Criteria: Invitae Variant Classification Sherloc (09022015). Collection method: clinical testing. Allele origin: germline.
Comment: In summary, the available evidence is currently insufficient to determine the role of this variant in disease. Therefore, it has been classified as a Variant of Uncertain Significance. This sequence change replaces glutamic acid with valine at codon 511 of the PLOD3 protein (p.Glu511Val). The glutamic acid residue is moderately conserved and there is a moderate physicochemical difference between glutamic acid and valine. Algorithms developed to predict the effect of missense changes on protein structure and function (SIFT, PolyPhen-2, Align-GVGD) all suggest that this variant is likely to be tolerated, but these predictions have not been confirmed by published functional studies and their clinical significance is uncertain. This variant has not been reported in the literature in individuals with PLOD3-related conditions. This variant is not present in population databases (ExAC no frequency).